The following is an entry in ClinVar:

ClinVar aggregate classification (germline): Benign/Likely benign. Review status: criteria provided, multiple submitters, no conflicts (2 of 4 stars). 12 submissions from 12 submitters: Benign (9); Likely benign (1). 2 of the submissions do not count toward it. Last evaluated 2026-02-03.

Conditions:
Developmental and epileptic encephalopathy, 36 (DEE36). Also called: Congenital disorder of glycosylation, type Is; Epileptic encephalopathy, early infantile, 36; ALG13-CDG. Identifiers: Orphanet 324422, MedGen C4317295, MONDO:0010472, OMIM 300884.
Inborn genetic diseases. Identifiers: MedGen C0950123, MeSH D030342.

Allele frequency attached by ClinVar (database versions not stated): ESP Exome Variant Server 0.00172; gnomAD 0.00246 and 0.00325; TOPMed 0.00348; gnomAD exomes 0.00369 and 0.00397; 1000 Genomes Project 30x 0.00416; ExAC 0.00420; 1000 Genomes Project 0.00424.
gnomAD v4.1: 4,423 of 1,209,347 alleles (0.37%); highest among the groups gnomAD compares: South Asian, 1.9%; 30 homozygotes.

Submissions (12):

Labcorp Genetics (formerly Invitae), Labcorp
Classification: Benign for Developmental and epileptic encephalopathy, 36. Last evaluated: 2026-02-03. Review status: criteria provided, single submitter. Criteria: Invitae Variant Classification Sherloc (09022015). Collection method: clinical testing. Allele origin: germline.

Mayo Clinic Laboratories, Mayo Clinic
Classification: Benign. Last evaluated: 2025-08-27. Review status: criteria provided, single submitter. Criteria: ACMG Guidelines, 2015. Collection method: clinical testing. Allele origin: germline. Observed: 2 variant alleles.
Comment: BA1, BP4, BP7

Athena Diagnostics
Classification: Benign. Last evaluated: 2025-04-28. Review status: criteria provided, single submitter. Criteria: Athena Diagnostics Criteria. Collection method: clinical testing. Allele origin: unknown.
Comment: The frequency of this variant in the general population is higher than would generally be expected for pathogenic variants in this gene.

Blueprint Genetics
Classification: Likely benign. Last evaluated: 2024-11-20. Review status: criteria provided, single submitter. Criteria: ACMG Guidelines, 2015. Collection method: clinical testing. Allele origin: germline.

ARUP Laboratories, Molecular Genetics and Genomics, ARUP Laboratories
Classification: Benign for Developmental and epileptic encephalopathy, 36. Last evaluated: 2024-05-01. Review status: criteria provided, single submitter. Criteria: ARUP Molecular Germline Variant Investigation Process 2024. Collection method: clinical testing. Allele origin: germline.

Genome-Nilou Lab
Classification: Benign for Developmental and epileptic encephalopathy, 36. Last evaluated: 2021-12-05. Review status: criteria provided, single submitter. Criteria: ACMG Guidelines, 2015. Collection method: clinical testing. Allele origin: germline. Affected: no.

Fulgent Genetics
Classification: Benign for Developmental and epileptic encephalopathy, 36. Last evaluated: 2021-10-04. Review status: criteria provided, single submitter. Criteria: ACMG Guidelines, 2015. Collection method: clinical testing. Allele origin: unknown.

Ambry Genetics
Classification: Benign for Inborn genetic diseases. Last evaluated: 2017-09-25. Review status: criteria provided, single submitter. Criteria: Ambry Variant Classification Scheme 2023. Collection method: clinical testing. Allele origin: germline.

GeneDx
Classification: Benign. Last evaluated: 2016-02-15. Review status: criteria provided, single submitter. Criteria: GeneDx Variant Classification (06012015). Collection method: clinical testing. Allele origin: germline. Affected: yes.
Comment: This variant is considered likely benign or benign based on one or more of the following criteria: it is a conservative change, it occurs at a poorly conserved position in the protein, it is predicted to be benign by multiple in silico algorithms, and/or has population frequency not consistent with disease.

Breakthrough Genomics
Classification: Benign. Review status: criteria provided, single submitter. Criteria: ACMG Guidelines, 2015. Collection method: not provided. Allele origin: germline. Inheritance: X-linked inheritance. Affected: yes.

Genome Diagnostics Laboratory, University Medical Center Utrecht
Classification: Likely benign. Review status: no assertion criteria provided. Collection method: clinical testing. Allele origin: germline. Affected: yes. Study: VKGL Data-share Consensus. Not counted in ClinVar's aggregate classification.

Laboratory of Diagnostic Genome Analysis, Leiden University Medical Center (LUMC)
Classification: Likely benign. Review status: no assertion criteria provided. Collection method: clinical testing. Allele origin: germline. Affected: yes. Study: VKGL Data-share Consensus. Not counted in ClinVar's aggregate classification.

NM_001099922.3(ALG13):c.2248-4A>G

Gene: ALG13 (ALG13 UDP-N-acetylglucosaminyltransferase subunit; plus strand). Cytogenetic location: Xq23.
Variant type: single nucleotide variant.
Coding change: c.2248-4A>G on transcript NM_001099922.3 (MANE Select); 4 bases into the intron before coding-DNA position 2248, A replaced by G.
Molecular consequence: intron variant.
Genome position (GRCh38, 1-based): chrX:111,728,181, A>G. VCF-style: chrX-111728181-A-G. GRCh37 (hg19) VCF-style: chrX-110971409-A-G.
Other names: p.?; c.1936-4A>G (NM_001257237.2, NM_001257234.2, NM_001257230.2); c.1762-4A>G (NM_001324293.1); c.2014-4A>G (NM_001257231.2); c.2248-4A>G (NM_001324292.2).
Identifiers: ClinVar variation 380781 (VCV000380781.25), dbSNP rs370438099, ClinGen allele CA10493849.
Genomic context (GRCh38, chrX:111,728,181, plus strand): 5'-CCTCTAGCTTTTTTTTCTGACTATATAGTGAGAACTGCAGTGTGTGTGTGTCTCTCTGAT[A>G]CAGAATCATGGAGGTCCCTCTACAATGGTTCCTGCTACTTCAGGATACTGTGTTGGAAGG-3'